The following is an entry in ClinVar:

NM_001267550.2(TTN):c.87559G>T (p.Glu29187Ter)

Genes: TTN-AS1 (TTN antisense RNA 1; plus strand), TTN (titin; minus strand). Cytogenetic location: 2q31.2.
Variant type: single nucleotide variant.
Coding change: c.87559G>T on transcript NM_001267550.2 (MANE Select); coding-DNA position 87559, G replaced by T.
Protein change: p.Glu29187Ter; replaces glutamic acid 29187 with a stop codon.
Molecular consequence: nonsense.
Genome position (GRCh38, 1-based): chr2:178,557,795, C>A on the plus strand (G>T on the coding strand, the complement: TTN is on the minus strand). VCF-style: chr2-178557795-C-A. GRCh37 (hg19) VCF-style: chr2-179422522-C-A.
Other names: c.82636G>T, p.Glu27546Ter (NM_001256850.1); c.60364G>T, p.Glu20122Ter (NM_003319.4); c.79855G>T, p.Glu26619Ter (NM_133378.4); c.60739G>T, p.Glu20247Ter (NM_133432.3); c.60940G>T, p.Glu20314Ter (NM_133437.4); short protein forms E29187*, E26619*, E20314*, E20122*, E20247*, E27546*.
Identifiers: ClinVar variation 405176 (VCV000405176.11), dbSNP rs1060500586, ClinGen allele CA16610256.

ClinVar aggregate classification (germline): Pathogenic (1 of 4 stars; one submission).

Conditions:
Dilated cardiomyopathy 1G (CMD1G). Identifiers: Orphanet 154, MedGen C1858763, MONDO:0011400, OMIM 604145.
Autosomal recessive limb-girdle muscular dystrophy type 2J (LGMDR10). Also called: Limb-girdle muscular dystrophy, type 2J; MUSCULAR DYSTROPHY, LIMB-GIRDLE, AUTOSOMAL RECESSIVE 10. Identifiers: Orphanet 140922, MedGen C1837342, MONDO:0012127, OMIM 608807.

Submission:

Labcorp Genetics (formerly Invitae), Labcorp
Classification: Pathogenic for Dilated cardiomyopathy 1G; Autosomal recessive limb-girdle muscular dystrophy type 2J. Last evaluated: 2025-06-03. Review status: criteria provided, single submitter. Criteria: Invitae Variant Classification Sherloc (09022015). Collection method: clinical testing. Allele origin: germline.
Comment: This sequence change creates a premature translational stop signal (p.Glu29187*) in the TTN gene. While this is not anticipated to result in nonsense mediated decay, it is expected to create a truncated TTN protein. This variant is not present in population databases (gnomAD no frequency). This premature translational stop signal has been observed in individual(s) with dilated cardiomyopathy (internal data). It has also been observed to segregate with disease in related individuals. ClinVar contains an entry for this variant (Variation ID: 405176). This variant is located in the A band of TTN (PMID: 25589632). Truncating variants in this region are significantly overrepresented in patients affected with dilated cardiomyopathy (PMID: 25589632). Truncating variants in this region have also been reported in individuals affected with autosomal recessive centronuclear myopathy (PMID: 23975875). For these reasons, this variant has been classified as Pathogenic.

Literature cited by the submitters: PubMed 25589632; PubMed 23975875.